The following is an entry in ClinVar:

ClinVar aggregate classification (germline): Uncertain significance (1 of 4 stars; one submission).

Conditions:
Retinoblastoma (RB1). Also called: RETINOBLASTOMA, SOMATIC. Identifiers: Orphanet 790, MedGen C0035335, MeSH D012175, MONDO:0008380, OMIM 180200, HP:0009919. Disease mechanism: loss of function. Inheritance: Both sporadic and heritable forms are tested..

Submission:

All of Us Research Program, National Institutes of Health
Classification: Uncertain significance for Retinoblastoma. Last evaluated: 2023-11-02. Review status: criteria provided, single submitter. Criteria: ACMG Guidelines, 2015. Collection method: clinical testing. Allele origin: germline. Inheritance: Autosomal dominant inheritance. Observed: 1 variant allele, 1 heterozygote.
Comment: This variant causes a C to A nucleotide substitution at the +6 position of intron 12/26 of the RB1 gene. To our knowledge, functional studies have not been reported for this variant. This variant has not been reported in individuals affected with RB1-related disorders in the literature. This variant has not been identified in the general population by the Genome Aggregation Database (gnomAD). The available evidence is insufficient to determine the role of this variant in disease conclusively. Therefore, this variant is classified as a Variant of Uncertain Significance.

This study involves interpretation of variants in research participants for the purpose of population health screening. Participant phenotype was not available at the time of variant classification. Additional details can be found in publication PMID: 35346344, PMCID: PMC8962531

NM_000321.3(RB1):c.1215+6C>A

Gene: RB1 (RB transcriptional corepressor 1; plus strand). Cytogenetic location: 13q14.2.
Variant type: single nucleotide variant.
Coding change: c.1215+6C>A on transcript NM_000321.3 (MANE Select); 6 bases into the intron after coding-DNA position 1215, C replaced by A.
Molecular consequence: intron variant.
Genome position (GRCh38, 1-based): chr13:48,373,498, C>A. VCF-style: chr13-48373498-C-A. GRCh37 (hg19) VCF-style: chr13-48947634-C-A.
Other names: c.1215+6C>A (NM_001407165.1, NM_001407166.1).
Identifiers: ClinVar variation 3074211 (VCV003074211.1), dbSNP rs2138131376, ClinGen allele CA2622980715.
Genomic context (GRCh38, chr13:48,373,498, plus strand): 5'-GATTTTAAATTCAGCAAGTGATCAACCTTCAGAAAATCTGATTTCCTATTTTAACGTAAG[C>A]CATATATGAAACATTATTTATTGTAATATCTTGGCAAAGAAACTTGAAATTAAAAGTTAA-3'